The following is an entry in ClinVar:

NM_000540.3(RYR1):c.13069C>A (p.Leu4357Met)

Gene: RYR1 (ryanodine receptor 1; plus strand). Cytogenetic location: 19q13.2.
Variant type: single nucleotide variant.
Coding change: c.13069C>A on transcript NM_000540.3 (MANE Select); coding-DNA position 13069, C replaced by A.
Protein change: p.Leu4357Met; replaces leucine 4357 with methionine.
Molecular consequence: missense variant.
Genome position (GRCh38, 1-based): chr19:38,565,403, C>A. VCF-style: chr19-38565403-C-A. GRCh37 (hg19) VCF-style: chr19-39056043-C-A.
Other names: c.13054C>A, p.Leu4352Met (NM_001042723.2); short protein forms L4357M, L4352M.
Identifiers: ClinVar variation 544446 (VCV000544446.11), dbSNP rs1236057233, ClinGen allele CA405673327.

ClinVar aggregate classification (germline): Uncertain significance. Review status: criteria provided, multiple submitters, no conflicts (2 of 4 stars). 2 submissions from 2 submitters: Uncertain significance (2). Last evaluated 2026-01-24.

Conditions:
Central core myopathy (CMYO1A). Also called: Central core disease; Myopathy, central fibrillar; CONGENITAL MYOPATHY 1A, AUTOSOMAL DOMINANT, WITH SUSCEPTIBILITY TO MALIGNANT HYPERTHERMIA. Identifiers: Orphanet 597, MedGen C5830701, MONDO:0007294, OMIM 117000.
Malignant hyperthermia, susceptibility to, 1 (MHS1). Also called: RYR1-Related Malignant Hyperthermia Susceptibility; Anesthesia related hyperthermia; Malignant hyperpyrexia; Fulminating hyperpyrexia; Pharmacogenic myopathy; Malignant hyperthermia suceptibility 1. Identifiers: Orphanet 423, MedGen C2930980, MONDO:0007783, OMIM 145600.
Congenital myopathy with fiber type disproportion. Also called: Congenital fiber-type disproportion; Congenital fiber-type disproportion myopathy. Identifiers: Orphanet 2020, MedGen C0546264, MONDO:0009711. Inheritance: all.
Multiminicore myopathy. Identifiers: Orphanet 598, MedGen C0270962, MONDO:0018948.
RYR1-related disorder. Also called: RYR1-related condition; RYR1-related disorders. Identifiers: MedGen CN239331.

Allele frequency attached by ClinVar (database versions not stated): gnomAD exomes 0.00003.
gnomAD v4.1: 23 of 1,454,876 alleles (0.0016%); highest among the groups gnomAD compares: Admixed American, 0.0025%; no homozygotes.

Submissions (2):

Labcorp Genetics (formerly Invitae), Labcorp
Classification: Uncertain significance for RYR1-related disorder. Last evaluated: 2026-01-24. Review status: criteria provided, single submitter. Criteria: Invitae Variant Classification Sherloc (09022015). Collection method: clinical testing. Allele origin: germline.
Comment: This sequence change replaces leucine, which is neutral and non-polar, with methionine, which is neutral and non-polar, at codon 4357 of the RYR1 protein (p.Leu4357Met). The frequency data for this variant in the population databases is considered unreliable, as metrics indicate poor data quality at this position in the gnomAD database. This variant has not been reported in the literature in individuals affected with RYR1-related conditions. ClinVar contains an entry for this variant (Variation ID: 544446). Invitae Evidence Modeling of protein sequence and biophysical properties (such as structural, functional, and spatial information, amino acid conservation, physicochemical variation, residue mobility, and thermodynamic stability) indicates that this missense variant is not expected to disrupt RYR1 protein function with a negative predictive value of 80%. In summary, the available evidence is currently insufficient to determine the role of this variant in disease. Therefore, it has been classified as a Variant of Uncertain Significance.

Women's Health and Genetics/Laboratory Corporation of America, LabCorp
Classification: Uncertain significance. Last evaluated: 2024-07-19. Review status: criteria provided, single submitter. Criteria: LabCorp Variant Classification Summary - May 2015. Collection method: clinical testing. Allele origin: germline.
Comment: Variant summary: RYR1 c.13069C>A (p.Leu4357Met) results in a conservative amino acid change in the encoded protein sequence. Four of five in-silico tools predict a damaging effect of the variant on protein function. The variant allele was found at a frequency of 2.6e-05 in 77144 control chromosomes. The available data on variant occurrences in the general population are insufficient to allow any conclusion about variant significance. To our knowledge, no occurrence of c.13069C>A in individuals affected with Myopathy, RYR1-Associated and no experimental evidence demonstrating its impact on protein function have been reported. ClinVar contains an entry for this variant (Variation ID: 544446). Based on the evidence outlined above, the variant was classified as uncertain significance.